The following is an entry in ClinVar:

NM_018714.3(COG1):c.988G>A (p.Glu330Lys)

Genes: COG1 (component of oligomeric golgi complex 1; plus strand), LOC126862634 (CDK7 strongly-dependent group 2 enhancer GRCh37_chr17:71195948-71197147; plus strand). Cytogenetic location: 17q25.1.
Variant type: single nucleotide variant.
Coding change: c.988G>A on transcript NM_018714.3 (MANE Select); coding-DNA position 988, G replaced by A.
Protein change: p.Glu330Lys; replaces glutamic acid 330 with lysine.
Molecular consequence: missense variant.
Genome position (GRCh38, 1-based): chr17:73,199,939, G>A. VCF-style: chr17-73199939-G-A. GRCh37 (hg19) VCF-style: chr17-71196078-G-A.
Other names: short protein forms E330K.
Identifiers: ClinVar variation 662087 (VCV000662087.9), dbSNP rs779924491, ClinGen allele CA8740119.

ClinVar aggregate classification (germline): Uncertain significance (1 of 4 stars; one submission).

Conditions:
COG1 congenital disorder of glycosylation (CDG2G). Also called: CDG IIg; CDGII/COG1 CEREBROCOSTOMANDIBULAR-LIKE SYNDROME; CONGENITAL DISORDER OF GLYCOSYLATION, TYPE IIg. Identifiers: Orphanet 263508, MedGen C2931011, MONDO:0012637, OMIM 611209.

Allele frequency attached by ClinVar (database versions not stated): gnomAD 0.00001; gnomAD exomes 0.00001 and 0.00002; TOPMed 0.00001; ExAC 0.00002.
gnomAD v4.1: 18 of 1,614,012 alleles (0.0011%); highest among the groups gnomAD compares: Admixed American, 0.0033%; no homozygotes.

Submission:

Labcorp Genetics (formerly Invitae), Labcorp
Classification: Uncertain significance for COG1 congenital disorder of glycosylation. Last evaluated: 2025-10-02. Review status: criteria provided, single submitter. Criteria: Invitae Variant Classification Sherloc (09022015). Collection method: clinical testing. Allele origin: germline.
Comment: This sequence change replaces glutamic acid, which is acidic and polar, with lysine, which is basic and polar, at codon 330 of the COG1 protein (p.Glu330Lys). This variant is present in population databases (rs779924491, gnomAD 0.006%). This variant has not been reported in the literature in individuals affected with COG1-related conditions. ClinVar contains an entry for this variant (Variation ID: 662087). Invitae Evidence Modeling of protein sequence and biophysical properties (such as structural, functional, and spatial information, amino acid conservation, physicochemical variation, residue mobility, and thermodynamic stability) indicates that this missense variant is not expected to disrupt COG1 protein function with a negative predictive value of 80%. In summary, the available evidence is currently insufficient to determine the role of this variant in disease. Therefore, it has been classified as a Variant of Uncertain Significance.